The following is an entry in ClinVar:

ClinVar aggregate classification (germline): Uncertain significance (1 of 4 stars; one submission).

Submission:

Mayo Clinic Laboratories, Mayo Clinic
Classification: Uncertain significance. Last evaluated: 2025-05-04. Review status: criteria provided, single submitter. Criteria: ACMG Guidelines, 2015. Collection method: clinical testing. Allele origin: germline. Observed: 1 variant allele.
Comment: PM2_supporting, PVS1_moderate

NM_001110556.2(FLNA):c.988-1G>A

Gene: FLNA (filamin A; minus strand). Cytogenetic location: Xq28.
Variant type: single nucleotide variant.
Coding change: c.988-1G>A on transcript NM_001110556.2 (MANE Select); the canonical splice acceptor site of the intron before coding-DNA position 988, G replaced by A.
Molecular consequence: splice acceptor variant.
Genome position (GRCh38, 1-based): chrX:154,366,640, C>T on the plus strand (G>A on the coding strand, the complement: FLNA is on the minus strand). VCF-style: chrX-154366640-C-T. GRCh37 (hg19) VCF-style: chrX-153595008-C-T.
Other names: c.988-1G>A (NM_001456.4).
Identifiers: ClinVar variation 4542513 (VCV004542513.1).